The following is an entry in ClinVar:

NM_001206927.2(DNAH8):c.8638C>T (p.Leu2880Phe)

Gene: DNAH8 (dynein axonemal heavy chain 8; plus strand). Cytogenetic location: 6p21.2.
Variant type: single nucleotide variant.
Coding change: c.8638C>T on transcript NM_001206927.2 (MANE Select); coding-DNA position 8638, C replaced by T.
Protein change: p.Leu2880Phe; replaces leucine 2880 with phenylalanine.
Molecular consequence: missense variant.
Genome position (GRCh38, 1-based): chr6:38,894,755, C>T. VCF-style: chr6-38894755-C-T. GRCh37 (hg19) VCF-style: chr6-38862531-C-T.
Other names: c.7987C>T, p.Leu2663Phe (NM_001371.4); short protein forms L2663F, L2880F.
Identifiers: ClinVar variation 1999310 (VCV001999310.4), dbSNP rs2533293381, ClinGen allele CA363997059.

ClinVar aggregate classification (germline): Uncertain significance (1 of 4 stars; one submission).

Conditions:
Primary ciliary dyskinesia. Also called: Ciliary dyskinesia. Identifiers: Orphanet 244, MedGen C0008780, MONDO:0016575, HP:0012265.

Submission:

Labcorp Genetics (formerly Invitae), Labcorp
Classification: Uncertain significance for Primary ciliary dyskinesia. Last evaluated: 2022-05-27. Review status: criteria provided, single submitter. Criteria: Invitae Variant Classification Sherloc (09022015). Collection method: clinical testing. Allele origin: germline.
Comment: This sequence change replaces leucine, which is neutral and non-polar, with phenylalanine, which is neutral and non-polar, at codon 2880 of the DNAH8 protein (p.Leu2880Phe). This variant is not present in population databases (gnomAD no frequency). This variant has not been reported in the literature in individuals affected with DNAH8-related conditions. Algorithms developed to predict the effect of missense changes on protein structure and function are either unavailable or do not agree on the potential impact of this missense change (SIFT: "Deleterious"; PolyPhen-2: "Not Available"; Align-GVGD: "Class C0"). In summary, the available evidence is currently insufficient to determine the role of this variant in disease. Therefore, it has been classified as a Variant of Uncertain Significance.